The following is an entry in ClinVar:

ClinVar aggregate classification (germline): Uncertain significance (1 of 4 stars; one submission).

Submission:

GeneDx
Classification: Uncertain significance. Last evaluated: 2024-04-22. Review status: criteria provided, single submitter. Criteria: GeneDx Variant Classification Process June 2021. Collection method: clinical testing. Allele origin: germline. Affected: yes.
Comment: Reported using an alternate transcript of the gene; Not observed at significant frequency in large population cohorts (gnomAD); In silico analysis supports that this missense variant has a deleterious effect on protein structure/function; Has not been previously published as pathogenic or benign to our knowledge

NM_001122955.4(BSCL2):c.187C>T (p.Pro63Ser)

Genes: BSCL2 (BSCL2 lipid droplet biogenesis associated, seipin; minus strand), HNRNPUL2-BSCL2 (HNRNPUL2-BSCL2 readthrough (NMD candidate); minus strand). Cytogenetic location: 11q12.3.
Variant type: single nucleotide variant.
Coding change: c.187C>T on transcript NM_001122955.4 (MANE Select); coding-DNA position 187, C replaced by T.
Protein change: p.Pro63Ser; replaces proline 63 with serine.
Molecular consequence: missense variant. On other transcripts: non-coding transcript variant (1), 5 prime UTR variant (2).
Genome position (GRCh38, 1-based): chr11:62,705,518, G>A on the plus strand (C>T on the coding strand, the complement: BSCL2 is on the minus strand). VCF-style: chr11-62705518-G-A. GRCh37 (hg19) VCF-style: chr11-62472990-G-A.
Other names: c.-6C>T (NM_001130702.2, NM_032667.6); c.187C>T, p.Pro63Ser (NM_001386027.1, NM_001386028.1); short protein forms P63S.
Identifiers: ClinVar variation 3369931 (VCV003369931.1).